The following is an entry in ClinVar:

NM_001844.5(COL2A1):c.2858C>T (p.Pro953Leu)

Gene: COL2A1 (collagen type II alpha 1 chain; minus strand). Cytogenetic location: 12q13.11.
Variant type: single nucleotide variant.
Coding change: c.2858C>T on transcript NM_001844.5 (MANE Select); coding-DNA position 2858, C replaced by T.
Protein change: p.Pro953Leu; replaces proline 953 with leucine.
Molecular consequence: missense variant.
Genome position (GRCh38, 1-based): chr12:47,978,634, G>A on the plus strand (C>T on the coding strand, the complement: COL2A1 is on the minus strand). VCF-style: chr12-47978634-G-A. GRCh37 (hg19) VCF-style: chr12-48372417-G-A.
Other names: c.2651C>T, p.Pro884Leu (NM_033150.3); short protein forms P884L, P953L.
Identifiers: ClinVar variation 2744132 (VCV002744132.3), dbSNP rs1938864700, ClinGen allele CA384541949.
Genomic context (GRCh38, chr12:47,978,634, plus strand): 5'-CATGGGCCTGGTGAGGGACTTACAGAGGGACCGTCATCTCCAGGCTCTCCCTTCTCGCCA[G>A]GGGGTCCAGCAGGACCTTGGAGGCCGGGTTCACCAGCTCGGCCAGGGGGGCCGCTGTCTC-3'
Protein context (NP_001835.3, residues 943-963): EPGLQGPAGP[Pro953Leu]GEKGEPGDDG

ClinVar aggregate classification (germline): Uncertain significance (1 of 4 stars; one submission).

gnomAD v4.1: 1 of 1,613,564 alleles (0.000062%); no homozygotes.

Submission:

Labcorp Genetics (formerly Invitae), Labcorp
Classification: Uncertain significance. Last evaluated: 2023-07-17. Review status: criteria provided, single submitter. Criteria: Invitae Variant Classification Sherloc (09022015). Collection method: clinical testing. Allele origin: germline.
Comment: In summary, the available evidence is currently insufficient to determine the role of this variant in disease. Therefore, it has been classified as a Variant of Uncertain Significance. Advanced modeling of protein sequence and biophysical properties (such as structural, functional, and spatial information, amino acid conservation, physicochemical variation, residue mobility, and thermodynamic stability) performed at Invitae indicates that this missense variant is not expected to disrupt COL2A1 protein function. This variant has not been reported in the literature in individuals affected with COL2A1-related conditions. This variant is not present in population databases (gnomAD no frequency). This sequence change replaces proline, which is neutral and non-polar, with leucine, which is neutral and non-polar, at codon 953 of the COL2A1 protein (p.Pro953Leu).